The following is an entry in ClinVar:

NC_000004.11:g.(?_122766639)_(122766871_?)del

Gene: BBS7 (Bardet-Biedl syndrome 7; minus strand). Cytogenetic location: 4q27.
Variant type: Deletion.
Identifiers: ClinVar variation 3246645 (VCV003246645.1).

ClinVar aggregate classification (germline): Pathogenic (1 of 4 stars; one submission).

Conditions:
Bardet-Biedl syndrome (BBS). Identifiers: Orphanet 110, MedGen C0752166, MONDO:0015229.

Submission:

Labcorp Genetics (formerly Invitae), Labcorp
Classification: Pathogenic for Bardet-Biedl syndrome. Last evaluated: 2023-05-21. Review status: criteria provided, single submitter. Criteria: Invitae Variant Classification Sherloc (09022015). Collection method: clinical testing. Allele origin: unknown.
Comment: This variant is a gross deletion of the genomic region encompassing exon(s) 11 of the BBS7 gene. This deletion is out-of-frame, and is expected to create a premature termination codon and result in an absent or disrupted protein product. Loss-of-function variants in BBS7 are known to be pathogenic (PMID: 12567324, 19402160, 21209035, 31196119). This variant has not been reported in the literature in individuals affected with BBS7-related conditions. For these reasons, this variant has been classified as Pathogenic.

Literature cited by the submitters: PubMed 12567324; PubMed 19402160; PubMed 21209035; PubMed 31196119.